The following is an entry in ClinVar:

NM_002340.6(LSS):c.1487C>T (p.Pro496Leu)

Gene: LSS (lanosterol synthase; minus strand). Cytogenetic location: 21q22.3.
Variant type: single nucleotide variant.
Coding change: c.1487C>T on transcript NM_002340.6 (MANE Select); coding-DNA position 1487, C replaced by T.
Protein change: p.Pro496Leu; replaces proline 496 with leucine.
Molecular consequence: missense variant.
Genome position (GRCh38, 1-based): chr21:46,206,749, G>A on the plus strand (C>T on the coding strand, the complement: LSS is on the minus strand). VCF-style: chr21-46206749-G-A. GRCh37 (hg19) VCF-style: chr21-47626663-G-A.
Other names: c.1487C>T, p.Pro496Leu (NM_001001438.3); c.1454C>T, p.Pro485Leu (NM_001145436.2); c.1247C>T, p.Pro416Leu (NM_001145437.2); short protein forms P416L, P485L, P496L.
Identifiers: ClinVar variation 3766275 (VCV003766275.1).

ClinVar aggregate classification (germline): Uncertain significance (1 of 4 stars; one submission).

Submission:

GeneDx
Classification: Uncertain significance. Last evaluated: 2024-08-25. Review status: criteria provided, single submitter. Criteria: GeneDx Variant Classification Process June 2021. Collection method: clinical testing. Allele origin: germline. Affected: yes.
Comment: Not observed at significant frequency in large population cohorts (gnomAD); In silico analysis supports that this missense variant has a deleterious effect on protein structure/function; Has not been previously published as pathogenic or benign to our knowledge